The following is an entry in ClinVar:

NM_001605.3(AARS1):c.445G>C (p.Asp149His)

Gene: AARS1 (alanyl-tRNA synthetase 1; minus strand). Cytogenetic location: 16q22.1.
Variant type: single nucleotide variant.
Coding change: c.445G>C on transcript NM_001605.3 (MANE Select); coding-DNA position 445, G replaced by C.
Protein change: p.Asp149His; replaces aspartic acid 149 with histidine.
Molecular consequence: missense variant.
Genome position (GRCh38, 1-based): chr16:70,276,520, C>G on the plus strand (G>C on the coding strand, the complement: AARS1 is on the minus strand). VCF-style: chr16-70276520-C-G. GRCh37 (hg19) VCF-style: chr16-70310423-C-G.
Other names: short protein forms D149H.
Identifiers: ClinVar variation 2126713 (VCV002126713.4), dbSNP rs2507028546, ClinGen allele CA396568650.
Genomic context (GRCh38, chr16:70,276,520, plus strand): 5'-TCTCAAGAAGTGATGTGCATTCTTACCCCAAATTTTGCCAGATCTGTTTGCATTCCAGAT[C>G]TGCTTCTAAGCCAGCTGCTTCATCCCCGCCAAAGTAAGTAACATAAAGTCTTTCAATGGG-3'
Protein context (NP_001596.2, residues 139-159): GGDEAAGLEA[Asp149His]LECKQIWQNL

ClinVar aggregate classification (germline): Uncertain significance (1 of 4 stars; one submission).

Conditions:
Charcot-Marie-Tooth disease type 2. Also called: Charcot-Marie-Tooth type 2. Identifiers: Orphanet 64746, MedGen C0270914, MONDO:0018993.

Submission:

Labcorp Genetics (formerly Invitae), Labcorp
Classification: Uncertain significance for Charcot-Marie-Tooth disease type 2. Last evaluated: 2022-04-16. Review status: criteria provided, single submitter. Criteria: Invitae Variant Classification Sherloc (09022015). Collection method: clinical testing. Allele origin: germline.
Comment: Algorithms developed to predict the effect of missense changes on protein structure and function are either unavailable or do not agree on the potential impact of this missense change (SIFT: "Deleterious"; PolyPhen-2: "Probably Damaging"; Align-GVGD: "Class C0"). This variant has not been reported in the literature in individuals affected with AARS-related conditions. This variant is not present in population databases (gnomAD no frequency). This sequence change replaces aspartic acid, which is acidic and polar, with histidine, which is basic and polar, at codon 149 of the AARS protein (p.Asp149His). In summary, the available evidence is currently insufficient to determine the role of this variant in disease. Therefore, it has been classified as a Variant of Uncertain Significance.